The following is an entry in ClinVar:

ClinVar aggregate classification (germline): Likely pathogenic (1 of 4 stars; one submission).

Conditions:
Hereditary fructosuria. Also called: Hereditary fructose intolerance; ALDOB DEFICIENCY; ALDOLASE B DEFICIENCY; FRUCTOSE-1,6-BISPHOSPHATE ALDOLASE B DEFICIENCY; FRUCTOSE-1-PHOSPHATE ALDOLASE DEFICIENCY; FRUCTOSEMIA. Identifiers: Orphanet 469, MedGen C0016751, MONDO:0009249, OMIM 229600, HP:0005973. Disease mechanism: loss of function.

Submission:

Labcorp Genetics (formerly Invitae), Labcorp
Classification: Likely pathogenic for Hereditary fructosuria. Last evaluated: 2023-04-10. Review status: criteria provided, single submitter. Criteria: Invitae Variant Classification Sherloc (09022015). Collection method: clinical testing. Allele origin: germline.
Comment: This variant is not present in population databases (gnomAD no frequency). In summary, the currently available evidence indicates that the variant is pathogenic, but additional data are needed to prove that conclusively. Therefore, this variant has been classified as Likely Pathogenic. Disruption of the initiator codon has been observed in individual(s) with hereditary fructose intolerance (PMID: 8438046). In at least one individual the data is consistent with being in trans (on the opposite chromosome) from a pathogenic variant. It has also been observed to segregate with disease in related individuals. This sequence change affects the initiator methionine of the ALDOB mRNA. The next in-frame methionine is located at codon 40.

Literature cited by the submitters: PubMed 8438046.

NM_000035.4(ALDOB):c.1A>T (p.Met1Leu)

Gene: ALDOB (aldolase, fructose-bisphosphate B; minus strand). Cytogenetic location: 9q31.1.
Variant type: single nucleotide variant.
Coding change: c.1A>T on transcript NM_000035.4 (MANE Select); coding-DNA position 1, A replaced by T.
Protein change: p.Met1Leu; changes the start codon (methionine 1).
Molecular consequence: missense variant, initiator codon variant.
Genome position (GRCh38, 1-based): chr9:101,430,887, T>A on the plus strand (A>T on the coding strand, the complement: ALDOB is on the minus strand). VCF-style: chr9-101430887-T-A. GRCh37 (hg19) VCF-style: chr9-104193169-T-A.
Other names: short protein forms M1L.
Identifiers: ClinVar variation 2854555 (VCV002854555.3), dbSNP rs2490130765, ClinGen allele CA374266323.
Genomic context (GRCh38, chr9:101,430,887, plus strand): 5'-GGGCAATTTCTGAGAGCTCCTTCTTCTGCTCCTGGGTGAGGGCTGGAAATCGGTGGGCCA[T>A]GGTGACAGGTCTGGAAAAGAGTGTGCGAGAGTTGTGCACAGAACCATGGGTGGCTCAGAT-3'
Protein context (NP_000026.2, residues 1-11): [Met1Leu]AHRFPALTQE